The following is an entry in ClinVar:

ClinVar aggregate classification (germline): Conflicting classifications of pathogenicity. Review status: criteria provided, conflicting classifications (1 of 4 stars). 3 submissions from 3 submitters: Uncertain significance (2); Likely benign (1). Last evaluated 2025-02-05.

Conditions:
SPTB-related disorder. Also called: SPTB-Related Disorders; SPTB-related condition.

Allele frequency attached by ClinVar (database versions not stated): gnomAD exomes 0.00001; gnomAD 0.00003; ExAC 0.00004; ESP Exome Variant Server 0.00008; 1000 Genomes Project 0.00040; 1000 Genomes Project 30x 0.00047.
gnomAD v4.1: 34 of 1,614,074 alleles (0.0021%); highest among the groups gnomAD compares: Middle Eastern, 0.016%; no homozygotes.

Submissions (3):

PreventionGenetics, part of Exact Sciences
Classification: Uncertain significance for SPTB-related condition. Last evaluated: 2025-02-05. Review status: criteria provided, single submitter. Criteria: ACMG Guidelines, 2015. Collection method: clinical testing. Allele origin: germline.
Comment: The SPTB c.4376G>A variant is predicted to result in the amino acid substitution p.Arg1459Gln. To our knowledge, this variant has not been reported in the literature. This variant is reported in 0.0065% of alleles in individuals of South Asian descent in gnomAD. At this time, the clinical significance of this variant is uncertain due to the absence of conclusive functional and genetic evidence.

Revvity Omics, Revvity
Classification: Uncertain significance. Last evaluated: 2024-12-16. Review status: criteria provided, single submitter. Criteria: ACMG Guidelines, 2015. Collection method: clinical testing. Allele origin: germline.

ARUP Laboratories, Molecular Genetics and Genomics, ARUP Laboratories
Classification: Likely benign. Last evaluated: 2023-12-21. Review status: criteria provided, single submitter. Criteria: ARUP Molecular Germline Variant Investigation Process 2024. Collection method: clinical testing. Allele origin: germline.

NM_001355436.2(SPTB):c.4376G>A (p.Arg1459Gln)

Gene: SPTB (spectrin beta, erythrocytic; minus strand). Cytogenetic location: 14q23.3.
Variant type: single nucleotide variant.
Coding change: c.4376G>A on transcript NM_001355436.2 (MANE Select); coding-DNA position 4376, G replaced by A.
Protein change: p.Arg1459Gln; replaces arginine 1459 with glutamine.
Molecular consequence: missense variant.
Genome position (GRCh38, 1-based): chr14:64,779,822, C>T on the plus strand (G>A on the coding strand, the complement: SPTB is on the minus strand). VCF-style: chr14-64779822-C-T. GRCh37 (hg19) VCF-style: chr14-65246540-C-T.
Other names: c.4376G>A (NM_001024858.2); c.4376G>A, p.Arg1459Gln (NM_001024858.4, NM_001355437.2); short protein forms R1459Q.
Identifiers: ClinVar variation 2436449 (VCV002436449.5), dbSNP rs148127231, ClinGen allele CA7230328.